The following is an entry in ClinVar:

NM_002206.3(ITGA7):c.1172T>C (p.Leu391Pro)

Gene: ITGA7 (integrin subunit alpha 7; minus strand). Cytogenetic location: 12q13.2.
Variant type: single nucleotide variant.
Coding change: c.1172T>C on transcript NM_002206.3 (MANE Select); coding-DNA position 1172, T replaced by C.
Protein change: p.Leu391Pro; replaces leucine 391 with proline.
Molecular consequence: missense variant. On other transcripts: 5 prime UTR variant (1).
Genome position (GRCh38, 1-based): chr12:55,698,403, A>G on the plus strand (T>C on the coding strand, the complement: ITGA7 is on the minus strand). VCF-style: chr12-55698403-A-G. GRCh37 (hg19) VCF-style: chr12-56092187-A-G.
Other names: c.1184T>C, p.Leu395Pro (NM_001144996.2, NM_001414029.1); c.893T>C, p.Leu298Pro (NM_001144997.2); c.845T>C, p.Leu282Pro (NM_001367993.1); c.-121T>C (NM_001367994.1); c.1172T>C, p.Leu391Pro (NM_001374465.1, NM_001414034.1); c.1304T>C, p.Leu435Pro (NM_001410977.1); c.1097T>C, p.Leu366Pro (NM_001414030.1); c.1085T>C, p.Leu362Pro (NM_001414031.1); and 3 more; short protein forms L298P, L395P, L278P, L282P, L330P, L351P, L362P, L366P.
Identifiers: ClinVar variation 3689580 (VCV003689580.2).
Genomic context (GRCh38, chr12:55,698,403, plus strand): 5'-GGCCCCTCCCTCCCTGAGCCTTTCCAGTTCCCCGTCACACCTGGAAAGCCATCTTGGTTG[A>G]GGTCCCCCAGGACAGCCAGGCTGATCCCGAACATGGAGTCAGGGGAGCCGCAGAGCCGGA-3'
Protein context (NP_002197.2, residues 381-401): FGISLAVLGD[Leu391Pro]NQDGFPDIAV

ClinVar aggregate classification (germline): Uncertain significance (1 of 4 stars; one submission).

Conditions:
Congenital muscular dystrophy due to integrin alpha-7 deficiency. Also called: MYOPATHY, CONGENITAL, DUE TO INTEGRIN ALPHA-7 DEFICIENCY; Congenital muscular dystrophy with integrin alpha-7 deficiency; Muscular dystrophy, congenital, due to ITGA7 deficiency. Identifiers: Orphanet 34520, MedGen C2750786, MONDO:0013177, OMIM 613204.

Submission:

Labcorp Genetics (formerly Invitae), Labcorp
Classification: Uncertain significance for Congenital muscular dystrophy due to integrin alpha-7 deficiency. Last evaluated: 2024-03-16. Review status: criteria provided, single submitter. Criteria: Invitae Variant Classification Sherloc (09022015). Collection method: clinical testing. Allele origin: germline.
Comment: This sequence change replaces leucine, which is neutral and non-polar, with proline, which is neutral and non-polar, at codon 391 of the ITGA7 protein (p.Leu391Pro). This variant is not present in population databases (gnomAD no frequency). This variant has not been reported in the literature in individuals affected with ITGA7-related conditions. Advanced modeling of protein sequence and biophysical properties (such as structural, functional, and spatial information, amino acid conservation, physicochemical variation, residue mobility, and thermodynamic stability) performed at Invitae indicates that this missense variant is expected to disrupt ITGA7 protein function with a positive predictive value of 80%. In summary, the available evidence is currently insufficient to determine the role of this variant in disease. Therefore, it has been classified as a Variant of Uncertain Significance.